The following is an entry in ClinVar:

NM_000078.3(CETP):c.160C>T (p.Arg54Ter)

Gene: CETP (cholesteryl ester transfer protein; plus strand). Cytogenetic location: 16q13.
Variant type: single nucleotide variant.
Coding change: c.160C>T on transcript NM_000078.3 (MANE Select); coding-DNA position 160, C replaced by T.
Protein change: p.Arg54Ter; replaces arginine 54 with a stop codon.
Molecular consequence: nonsense.
Genome position (GRCh38, 1-based): chr16:56,963,051, C>T. VCF-style: chr16-56963051-C-T. GRCh37 (hg19) VCF-style: chr16-56996963-C-T.
Other names: c.160C>T, p.Arg54Ter (NM_001286085.2); short protein forms R54*.
Identifiers: ClinVar variation 1324061 (VCV001324061.5), dbSNP rs780627434, ClinGen allele CA8070807.

ClinVar aggregate classification (germline): Likely pathogenic. Review status: criteria provided, multiple submitters, no conflicts (2 of 4 stars). 2 submissions from 2 submitters: Likely pathogenic (2). Last evaluated 2024-03-25.

Conditions:
Hyperalphalipoproteinemia 1 (HALP1). Also called: CETP DEFICIENCY; CETP-Related Hyperalphalipoproteinemia. Identifiers: MedGen C3149462, OMIM 143470.

gnomAD v4.1: 23 of 1,614,042 alleles (0.0014%); highest among the groups gnomAD compares: South Asian, 0.0033%; no homozygotes.

Submissions (2):

Illumina Laboratory Services, Illumina
Classification: Likely pathogenic for Hyperalphalipoproteinemia 1. Last evaluated: 2024-03-25. Review status: criteria provided, single submitter. Criteria: ICSLVariantClassificationCriteria RUGD 01 April 2020. Collection method: clinical testing. Allele origin: unknown.
Comment: The CETP c.160C>T p.(Arg54Ter) nonsense variant is expected to result in the loss of normal protein function through nonsense-mediated mRNA decay. To our knowledge,c.160C>T p.(Arg54Ter) has not been reported in the peer-reviewed literature. This variant is not observed at a significant frequency in version 2.1.1 or version 4.0.0 of the Genome Aggregation Database. Based on the available evidence, the c.160C>T p.(Arg54Ter) variant is classified as likely pathogenic for hyperalphalipoproteinemia.

Revvity Omics, Revvity
Classification: Likely pathogenic for Hyperalphalipoproteinemia 1. Last evaluated: 2021-08-25. Review status: criteria provided, single submitter. Criteria: ACMG Guidelines, 2015. Collection method: clinical testing. Allele origin: germline.